The following is an entry in ClinVar:

ClinVar aggregate classification (germline): Uncertain significance (1 of 4 stars; one submission).

gnomAD v4.1: 1 of 1,584,640 alleles (0.000063%); highest among the groups gnomAD compares: Non-Finnish European, 0.000086%; no homozygotes.

Submission:

Labcorp Genetics (formerly Invitae), Labcorp
Classification: Uncertain significance. Last evaluated: 2022-10-18. Review status: criteria provided, single submitter. Criteria: Invitae Variant Classification Sherloc (09022015). Collection method: clinical testing. Allele origin: germline.
Comment: In summary, the available evidence is currently insufficient to determine the role of this variant in disease. Therefore, it has been classified as a Variant of Uncertain Significance. Advanced modeling of protein sequence and biophysical properties (such as structural, functional, and spatial information, amino acid conservation, physicochemical variation, residue mobility, and thermodynamic stability) performed at Invitae indicates that this missense variant is not expected to disrupt PROM1 protein function. ClinVar contains an entry for this variant (Variation ID: 1390210). This variant has not been reported in the literature in individuals affected with PROM1-related conditions. This variant is not present in population databases (gnomAD no frequency). This sequence change replaces asparagine, which is neutral and polar, with serine, which is neutral and polar, at codon 566 of the PROM1 protein (p.Asn566Ser).

NM_006017.3(PROM1):c.1697A>G (p.Asn566Ser)

Gene: PROM1 (prominin 1; minus strand). Cytogenetic location: 4p15.32.
Variant type: single nucleotide variant.
Coding change: c.1697A>G on transcript NM_006017.3 (MANE Select); coding-DNA position 1697, A replaced by G.
Protein change: p.Asn566Ser; replaces asparagine 566 with serine.
Molecular consequence: missense variant.
Genome position (GRCh38, 1-based): chr4:15,994,057, T>C on the plus strand (A>G on the coding strand, the complement: PROM1 is on the minus strand). VCF-style: chr4-15994057-T-C. GRCh37 (hg19) VCF-style: chr4-15995680-T-C.
Other names: c.1670A>G, p.Asn557Ser (NM_001145847.2, NM_001145848.2, NM_001145851.2 and 4 more transcripts); c.1697A>G, p.Asn566Ser (NM_001145849.2, NM_001145850.2); short protein forms N557S, N566S.
Identifiers: ClinVar variation 1390210 (VCV001390210.6), dbSNP rs376676164, ClinGen allele CA356431373.